The following is an entry in ClinVar:

NM_001006658.3(CR2):c.557G>A (p.Gly186Asp)

Gene: CR2 (complement C3d receptor 2; plus strand). Cytogenetic location: 1q32.2.
Variant type: single nucleotide variant.
Coding change: c.557G>A on transcript NM_001006658.3 (MANE Select); coding-DNA position 557, G replaced by A.
Protein change: p.Gly186Asp; replaces glycine 186 with aspartic acid.
Molecular consequence: missense variant.
Genome position (GRCh38, 1-based): chr1:207,468,638, G>A. VCF-style: chr1-207468638-G-A. GRCh37 (hg19) VCF-style: chr1-207641983-G-A.
Other names: c.557G>A, p.Gly186Asp (NM_001877.5); short protein forms G186D.
Identifiers: ClinVar variation 2160091 (VCV002160091.3), dbSNP rs755365484, ClinGen allele CA1368461.

ClinVar aggregate classification (germline): Uncertain significance (1 of 4 stars; one submission).

Conditions:
Immunodeficiency, common variable, 7. Identifiers: Orphanet 1572, Orphanet 696894, MedGen C3542922, MONDO:0013862, OMIM 614699.

Allele frequency attached by ClinVar (database versions not stated): ExAC 0.00001; gnomAD exomes below 0.00001.

Submission:

Labcorp Genetics (formerly Invitae), Labcorp
Classification: Uncertain significance for Immunodeficiency, common variable, 7. Last evaluated: 2022-03-01. Review status: criteria provided, single submitter. Criteria: Invitae Variant Classification Sherloc (09022015). Collection method: clinical testing. Allele origin: germline.
Comment: In summary, the available evidence is currently insufficient to determine the role of this variant in disease. Therefore, it has been classified as a Variant of Uncertain Significance. Algorithms developed to predict the effect of missense changes on protein structure and function (SIFT, PolyPhen-2, Align-GVGD) all suggest that this variant is likely to be disruptive. This variant has not been reported in the literature in individuals affected with CR2-related conditions. This variant is present in population databases (rs755365484, gnomAD 0.0009%). This sequence change replaces glycine, which is neutral and non-polar, with aspartic acid, which is acidic and polar, at codon 186 of the CR2 protein (p.Gly186Asp).